The following is an entry in ClinVar:

ClinVar aggregate classification (germline): Benign. Review status: criteria provided, multiple submitters, no conflicts (2 of 4 stars). 2 submissions from 2 submitters: Benign (2). Last evaluated 2018-06-14.

Allele frequency attached by ClinVar (database versions not stated): ExAC 0.36176; ESP Exome Variant Server 0.37544; 1000 Genomes Project 0.38159; TOPMed 0.39524; 1000 Genomes Project 30x 0.41115.
gnomAD v4.1: 534,472 of 1,581,206 alleles (34%); highest among the groups gnomAD compares: Admixed American, 50%; 93,030 homozygotes.

Submissions (2):

GeneDx
Classification: Benign. Last evaluated: 2018-06-14. Review status: criteria provided, single submitter. Criteria: GeneDx Variant Classification (06012015). Collection method: clinical testing. Allele origin: germline. Affected: yes.
Comment: This variant is considered likely benign or benign based on one or more of the following criteria: it is a conservative change, it occurs at a poorly conserved position in the protein, it is predicted to be benign by multiple in silico algorithms, and/or has population frequency not consistent with disease.

PreventionGenetics, part of Exact Sciences
Classification: Benign. Review status: criteria provided, single submitter. Criteria: ACMG Guidelines, 2015. Collection method: clinical testing. Allele origin: germline.

NM_182961.4(SYNE1):c.24977-1682T>C

Gene: SYNE1 (spectrin repeat containing nuclear envelope protein 1; minus strand). Cytogenetic location: 6q25.2.
Variant type: single nucleotide variant.
Coding change: c.24977-1682T>C on transcript NM_182961.4 (MANE Select); 1682 bases into the intron before coding-DNA position 24977, T replaced by C.
Molecular consequence: intron variant.
Genome position (GRCh38, 1-based): chr6:152,145,447, A>G on the plus strand (T>C on the coding strand, the complement: SYNE1 is on the minus strand). VCF-style: chr6-152145447-A-G. GRCh37 (hg19) VCF-style: chr6-152466582-A-G.
Other names: c.24832+40T>C (NM_033071.5); c.1583-1682T>C (NM_001347701.2); c.1510+40T>C (NM_001347702.2).
Identifiers: ClinVar variation 262190 (VCV000262190.2), dbSNP rs2813487, ClinGen allele CA4052998.
Genomic context (GRCh38, chr6:152,145,447, plus strand): 5'-CTAGAGCCACAAAGCTGGGAGAGAGACAGCAGATGTGCTAAGAGAGGAGGATTGCTATAC[A>G]GGGGAGGGAGGGAGGCTGGCTCCGGCTTGTTGTGCCTACCGGAGGTATTTTTGATTGCAT-3'